The following is an entry in ClinVar:

NM_000081.4(LYST):c.11267+3A>G

Gene: LYST (lysosomal trafficking regulator; minus strand). Cytogenetic location: 1q42.3.
Variant type: single nucleotide variant.
Coding change: c.11267+3A>G on transcript NM_000081.4 (MANE Select); 3 bases into the intron after coding-DNA position 11267, A replaced by G.
Molecular consequence: intron variant.
Genome position (GRCh38, 1-based): chr1:235,663,981, T>C on the plus strand (A>G on the coding strand, the complement: LYST is on the minus strand). VCF-style: chr1-235663981-T-C. GRCh37 (hg19) VCF-style: chr1-235827281-T-C.
Other names: c.11267+3A>G (NM_001301365.1).
Identifiers: ClinVar variation 1913185 (VCV001913185.3), dbSNP rs1658234284, ClinGen allele CA1013591540.

ClinVar aggregate classification (germline): Uncertain significance (1 of 4 stars; one submission).

Conditions:
Chédiak-Higashi syndrome (CHS). Also called: Chediak-Higashi Syndrome. Identifiers: Orphanet 167, MedGen C0007965, MONDO:0008963, OMIM 214500.

Allele frequency attached by ClinVar (database versions not stated): gnomAD 0.00001.
gnomAD v4.1: 2 of 1,605,058 alleles (0.00012%); highest among the groups gnomAD compares: Non-Finnish European, 0.000085%; no homozygotes.

Submission:

Labcorp Genetics (formerly Invitae), Labcorp
Classification: Uncertain significance for Chédiak-Higashi syndrome. Last evaluated: 2022-04-09. Review status: criteria provided, single submitter. Criteria: Invitae Variant Classification Sherloc (09022015). Collection method: clinical testing. Allele origin: germline.
Comment: This sequence change falls in intron 52 of the LYST gene. It does not directly change the encoded amino acid sequence of the LYST protein. It affects a nucleotide within the consensus splice site. This variant is not present in population databases (gnomAD no frequency). This variant has not been reported in the literature in individuals affected with LYST-related conditions. Variants that disrupt the consensus splice site are a relatively common cause of aberrant splicing (PMID: 17576681, 9536098). Algorithms developed to predict the effect of sequence changes on RNA splicing suggest that this variant is not likely to affect RNA splicing. In summary, the available evidence is currently insufficient to determine the role of this variant in disease. Therefore, it has been classified as a Variant of Uncertain Significance.

Literature cited by the submitters: PubMed 17576681; PubMed 9536098.